The following is an entry in ClinVar:

NM_001267550.2(TTN):c.52224del (p.Asp17410fs)

Genes: TTN (titin; minus strand), TTN-AS1 (TTN antisense RNA 1; plus strand). Cytogenetic location: 2q31.2.
Variant type: Deletion.
Coding change: c.52224del on transcript NM_001267550.2 (MANE Select); coding-DNA position 52224, one base deleted (G; older notation c.52224delG).
Protein change: p.Asp17410fs; shifts the reading frame from aspartic acid 17410.
Molecular consequence: frameshift variant.
Genome position (GRCh38, 1-based): chr2:178,608,787, C deleted on the plus strand (G on the coding strand, the reverse complement: TTN is on the minus strand). VCF-style (leftmost placement, unchanged base first): chr2-178608786-TC-T. GRCh37 (hg19) VCF-style: chr2-179473513-TC-T.
Other names: c.47301del, p.Asp15769fs (NM_001256850.1); c.25029del, p.Asp8345fs (NM_003319.4); c.44520del, p.Asp14842fs (NM_133378.4); c.25404del, p.Asp8470fs (NM_133432.3); c.25605del, p.Asp8537fs (NM_133437.4); short protein forms D14842fs, D15769fs, D17410fs, D8345fs, D8470fs, D8537fs.
Identifiers: ClinVar variation 4082205 (VCV004082205.1).

ClinVar aggregate classification (germline): Likely pathogenic (1 of 4 stars; one submission).

Conditions:
Dilated cardiomyopathy 1G (CMD1G). Identifiers: Orphanet 154, MedGen C1858763, MONDO:0011400, OMIM 604145.

Submission:

Clinical Genetics Laboratory, Skane University Hospital Lund
Classification: Likely pathogenic for Dilated cardiomyopathy 1G. Last evaluated: 2025-09-11. Review status: criteria provided, single submitter. Criteria: ACMG Guidelines, 2015. Collection method: clinical testing. Allele origin: germline. Affected: yes.
Comment: PVS1 och PM2